The following is an entry in ClinVar:

NM_017780.4(CHD7):c.2805_2806insTT (p.Met936fs)

Gene: CHD7 (chromodomain helicase DNA binding protein 7; plus strand). Cytogenetic location: 8q12.2.
Variant type: Insertion.
Coding change: c.2805_2806insTT on transcript NM_017780.4 (MANE Select); coding-DNA positions 2805 to 2806, TT inserted.
Protein change: p.Met936fs; shifts the reading frame from methionine 936.
Molecular consequence: frameshift variant. On other transcripts: intron variant (1).
Genome position: GRCh38 VCF-style: chr8-60821897-A-ATT. GRCh37 (hg19) VCF-style: chr8-61734456-A-ATT.
Other names: c.1717-40332_1717-40331insTT (NM_001316690.1); short protein forms M936fs.
Identifiers: ClinVar variation 1403036 (VCV001403036.6), dbSNP rs2150748939, ClinGen allele CA2573143252.

ClinVar aggregate classification (germline): Pathogenic (1 of 4 stars; one submission).

Conditions:
CHARGE syndrome (CHARGE). Also called: Hittner Hirsch Kreh syndrome; CHARGE ASSOCIATION--COLOBOMA, HEART ANOMALY, CHOANAL ATRESIA, RETARDATION, GENITAL AND EAR ANOMALIES; Coloboma, heart anomaly, choanal atresia, retardation, genital and ear anomalies; CHARGE association; Hall-Hittner syndrome. Identifiers: Orphanet 138, MedGen C0265354, MONDO:0008965.

Submission:

Labcorp Genetics (formerly Invitae), Labcorp
Classification: Pathogenic for CHARGE syndrome. Last evaluated: 2021-11-27. Review status: criteria provided, single submitter. Criteria: Invitae Variant Classification Sherloc (09022015). Collection method: clinical testing. Allele origin: germline.
Comment: This sequence change creates a premature translational stop signal (p.Met936Leufs*42) in the CHD7 gene. It is expected to result in an absent or disrupted protein product. Loss-of-function variants in CHD7 are known to be pathogenic (PMID: 22461308, 25077900). This variant is not present in population databases (gnomAD no frequency). This variant has not been reported in the literature in individuals affected with CHD7-related conditions. For these reasons, this variant has been classified as Pathogenic.

Literature cited by the submitters: PubMed 22461308; PubMed 25077900.